The following is an entry in ClinVar:

NM_001142966.3(GREB1L):c.4369-9C>G

Gene: GREB1L (GREB1 like retinoic acid receptor coactivator; plus strand). Cytogenetic location: 18q11.2.
Variant type: single nucleotide variant.
Coding change: c.4369-9C>G on transcript NM_001142966.3 (MANE Select); 9 bases into the intron before coding-DNA position 4369, C replaced by G.
Molecular consequence: intron variant.
Genome position (GRCh38, 1-based): chr18:21,508,109, C>G. VCF-style: chr18-21508109-C-G. GRCh37 (hg19) VCF-style: chr18-19088070-C-G.
Other names: c.4369-9C>G (NM_001142966.1); c.4498-9C>G (NM_001410867.1); c.4042-9C>G (NM_001410868.1).
Identifiers: ClinVar variation 2894587 (VCV002894587.6), dbSNP rs566954474, ClinGen allele CA8906659.

ClinVar aggregate classification (germline): Likely benign. Review status: criteria provided, multiple submitters, no conflicts (2 of 4 stars). 3 submissions from 3 submitters: Likely benign (2). 1 of the submissions does not count toward it. Last evaluated 2024-07-23.

Conditions:
GREB1L-related disorder. Also called: GREB1L-related condition.

Allele frequency attached by ClinVar (database versions not stated): TOPMed 0.00008; ExAC 0.00009; gnomAD 0.00009.
gnomAD v4.1: 155 of 1,550,962 alleles (0.01%); highest among the groups gnomAD compares: Middle Eastern, 0.033%; no homozygotes.

Submissions (3):

Blueprint Genetics
Classification: Likely benign. Last evaluated: 2024-07-23. Review status: criteria provided, single submitter. Criteria: ACMG Guidelines, 2015. Collection method: clinical testing. Allele origin: germline.

Labcorp Genetics (formerly Invitae), Labcorp
Classification: Likely benign. Last evaluated: 2023-10-13. Review status: criteria provided, single submitter. Criteria: Invitae Variant Classification Sherloc (09022015). Collection method: clinical testing. Allele origin: germline.

PreventionGenetics, part of Exact Sciences
Classification: Likely benign for GREB1L-related condition. Last evaluated: 2019-12-23. Review status: no assertion criteria provided. Collection method: clinical testing. Allele origin: germline. Not counted in ClinVar's aggregate classification.
Comment: This variant is classified as likely benign based on ACMG/AMP sequence variant interpretation guidelines (Richards et al. 2015 PMID: 25741868, with internal and published modifications).